The following is an entry in ClinVar:

ClinVar aggregate classification (germline): Conflicting classifications of pathogenicity. Review status: criteria provided, conflicting classifications (1 of 4 stars). 5 submissions from 5 submitters: Uncertain significance (3); Likely benign (2). Last evaluated 2026-01-02.

Conditions:
Long QT syndrome (LQTS). Identifiers: MedGen C0023976, MeSH D008133, MONDO:0002442. Disease mechanism: loss of function. Inheritance: Various modes of inheritance.
Cardiovascular phenotype. Identifiers: MedGen CN230736.
Cardiac arrhythmia, ankyrin-B-related. Also called: ANKYRIN-B SYNDROME. Identifiers: Orphanet 101016, Orphanet 768, MedGen C1970119, MONDO:0010958, OMIM 600919.

Submissions (5):

Dasa
Classification: Uncertain significance. Last evaluated: 2026-01-02. Review status: criteria provided, single submitter. Criteria: DASA Assertion Criteria. Collection method: clinical testing. Allele origin: germline.
Comment: NM_001148.6(ANK2):c.6529_6531del (p.Thr2177del) is an in-frame deletion predicted to remove threonine at protein position 2177 without shifting the reading frame. This variant is rare in population databases. Computational prediction algorithms are consistent with a benign effect. The currently available literature and clinical evidence are not sufficient to establish a definitive association between this variant and the reported condition. Therefore, this variant is classified as a variant of uncertain significance.

Labcorp Genetics (formerly Invitae), Labcorp
Classification: Uncertain significance for Long QT syndrome. Last evaluated: 2024-10-09. Review status: criteria provided, single submitter. Criteria: Invitae Variant Classification Sherloc (09022015). Collection method: clinical testing. Allele origin: germline.
Comment: This variant, c.6529_6531del, results in the deletion of 1 amino acid(s) of the ANK2 protein (p.Thr2177del), but otherwise preserves the integrity of the reading frame. This variant is present in population databases (rs749429192, gnomAD 0.04%). This variant has not been reported in the literature in individuals affected with ANK2-related conditions. ClinVar contains an entry for this variant (Variation ID: 580135). Experimental studies and prediction algorithms are not available or were not evaluated, and the functional significance of this variant is currently unknown. In summary, the available evidence is currently insufficient to determine the role of this variant in disease. Therefore, it has been classified as a Variant of Uncertain Significance.

Ambry Genetics
Classification: Likely benign for Cardiovascular phenotype. Last evaluated: 2022-12-22. Review status: criteria provided, single submitter. Criteria: Ambry Variant Classification Scheme 2023. Collection method: clinical testing. Allele origin: germline.

Fulgent Genetics
Classification: Uncertain significance for Cardiac arrhythmia, ankyrin-B-related. Last evaluated: 2021-07-22. Review status: criteria provided, single submitter. Criteria: ACMG Guidelines, 2015. Collection method: clinical testing. Allele origin: unknown.

Blueprint Genetics
Classification: Likely benign. Last evaluated: 2018-05-22. Review status: criteria provided, single submitter. Criteria: ACMG Guidelines, 2015. Collection method: clinical testing. Allele origin: germline.

NM_001148.6(ANK2):c.6526ACA[1] (p.Thr2177del)

Gene: ANK2 (ankyrin 2; plus strand). Cytogenetic location: 4q26.
Variant type: Microsatellite.
Coding change: c.6526ACA[1] on transcript NM_001148.6 (MANE Select); one copy of the 3-base unit ACA starting at c.6526; the reference has two copies in a row; one copy, 3 bases deleted; also written c.6529_6531del.
Protein change: p.Thr2177del; deletes threonine 2177.
Molecular consequence: inframe deletion. On other transcripts: intron variant (68).
Genome position (GRCh38, 1-based): chr4:113,355,147-113,355,149, ACA deleted; deleting any 3 consecutive bases within chr4:113,355,144-113,355,149 gives the same sequence; the position shown is the placement nearest the transcript's 3' end. VCF-style (leftmost placement, unchanged base first): chr4-113355143-CACA-C. GRCh37 (hg19) VCF-style: chr4-114276299-CACA-C.
Other names: c.6529_6531del (NM_001148.6); c.6292ACA[1], p.Thr2099del (NM_001386142.1); c.2926ACA[1], p.Thr977del (NM_001386166.1); c.6667ACA[1], p.Thr2224del (NM_001386174.1); c.6643ACA[1], p.Thr2216del (NM_001386175.1); c.4411+4898_4411+4900del (NM_001386186.2, NM_001386148.2); c.4213+4898_4213+4900del (NM_001354269.3); c.4291+4898_4291+4900del (NM_001386187.2); and 36 more; short protein forms T2177del, T2099del, T2216del, T2224del, T977del.
Identifiers: ClinVar variation 580135 (VCV000580135.12), dbSNP rs749429192, ClinGen allele CA3051423.